The following is an entry in ClinVar:

NM_013386.5(SLC25A24):c.1066C>A (p.Pro356Thr)

Gene: SLC25A24 (solute carrier family 25 member 24; minus strand). Cytogenetic location: 1p13.3.
Variant type: single nucleotide variant.
Coding change: c.1066C>A on transcript NM_013386.5 (MANE Select); coding-DNA position 1066, C replaced by A.
Protein change: p.Pro356Thr; replaces proline 356 with threonine.
Molecular consequence: missense variant.
Genome position (GRCh38, 1-based): chr1:108,143,575, G>T on the plus strand (C>A on the coding strand, the complement: SLC25A24 is on the minus strand). VCF-style: chr1-108143575-G-T. GRCh37 (hg19) VCF-style: chr1-108686197-G-T.
Other names: c.1009C>A, p.Pro337Thr (NM_213651.3); short protein forms P337T, P356T.
Identifiers: ClinVar variation 4881745 (VCV004881745.2).

ClinVar aggregate classification (germline): Uncertain significance (1 of 4 stars; one submission).

Conditions:
Fontaine progeroid syndrome. Also called: CRANIOFACIAL DYSOSTOSIS, HYPERTRICHOSIS, HYPOPLASIA OF LABIA MAJORA, DENTAL AND EYE ANOMALIES, PATENT DUCTUS ARTERIOSUS, AND NORMAL INTELLIGENCE; Craniofacial dysostosis, patent ductus arteriosus, hypertrichosis, hypoplasia of labia majora, dental and eye anomalies; GCM syndrome; Gorlin-Chaudhry-Moss syndrome; Progeroid syndrome congenital Petty type; Petty Laxova Wiedemann syndrome. Identifiers: Orphanet 2095, MedGen C2676780, MONDO:0012853, OMIM 612289.

Submission:

Dasa
Classification: Uncertain significance for Fontaine progeroid syndrome. Last evaluated: 2025-11-08. Review status: criteria provided, single submitter. Criteria: DASA Assertion Criteria. Collection method: clinical testing. Allele origin: germline.
Comment: NM_013386.5(SLC25A24):c.1066C>A (p.Pro356Thr) is a missense variant that results in the substitution of proline with threonine. This variant is absent from population databases. Computational prediction algorithms are consistent with a deleterious effect. The currently available literature and clinical evidence are not sufficient to establish a definitive association between this variant and the reported condition. Therefore, this variant is classified as a variant of uncertain significance.